The following is an entry in ClinVar:

NM_182493.3(MYLK3):c.1790T>C (p.Leu597Pro)

Gene: MYLK3 (myosin light chain kinase 3; minus strand). Cytogenetic location: 16q11.2.
Variant type: single nucleotide variant.
Coding change: c.1790T>C on transcript NM_182493.3 (MANE Select); coding-DNA position 1790, T replaced by C.
Protein change: p.Leu597Pro; replaces leucine 597 with proline.
Molecular consequence: missense variant.
Genome position (GRCh38, 1-based): chr16:46,727,360, A>G on the plus strand (T>C on the coding strand, the complement: MYLK3 is on the minus strand). VCF-style: chr16-46727360-A-G. GRCh37 (hg19) VCF-style: chr16-46761272-A-G.
Other names: c.767T>C, p.Leu256Pro (NM_001308301.1); short protein forms L256P, L597P.
Identifiers: ClinVar variation 4727466 (VCV004727466.1).
Genomic context (GRCh38, chr16:46,727,360, plus strand): 5'-GTGAACAGGACCACATCCAGCTCAGTCAGGTGGTACTTCTCATCTGTGATCCGGTCGAAG[A>G]GCTCACCCCCGTCCACGCTGCCAGAGCAAAGGGAGAGGCAGGCACCAGCCTAAGCAAGGC-3'
Protein context (NP_872299.2, residues 587-607): LVMEYVDGGE[Leu597Pro]FDRITDEKYH

ClinVar aggregate classification (germline): Uncertain significance (1 of 4 stars; one submission).

Submission:

Labcorp Genetics (formerly Invitae), Labcorp
Classification: Uncertain significance. Last evaluated: 2025-09-20. Review status: criteria provided, single submitter. Criteria: Invitae Variant Classification Sherloc (09022015). Collection method: clinical testing. Allele origin: germline.
Comment: This sequence change replaces leucine, which is neutral and non-polar, with proline, which is neutral and non-polar, at codon 597 of the MYLK3 protein (p.Leu597Pro). This variant is not present in population databases (gnomAD no frequency). This variant has not been reported in the literature in individuals affected with MYLK3-related conditions. An algorithm developed to predict the effect of missense changes on protein structure and function (PolyPhen-2) suggests that this variant is likely to be disruptive. In summary, the available evidence is currently insufficient to determine the role of this variant in disease. Therefore, it has been classified as a Variant of Uncertain Significance.